The following is an entry in ClinVar:

ClinVar aggregate classification (germline): Conflicting classifications of pathogenicity. Review status: criteria provided, conflicting classifications (1 of 4 stars). 4 submissions from 4 submitters: Likely pathogenic (1); Uncertain significance (2). 1 of the submissions does not count toward it. Last evaluated 2025-06-24.

Conditions:
Laron-type isolated somatotropin defect. Also called: GROWTH HORMONE RECEPTOR DEFICIENCY; Laron Syndrome; Growth hormone binding protein deficiency or dysfunction; Growth hormone receptor deficiency or dysfunction; Laron dwarfism; Laron type pituitary dwarfism I. Identifiers: Orphanet 633, MedGen C0271568, MONDO:0009877, OMIM 262500.

Allele frequency attached by ClinVar (database versions not stated): gnomAD 0.00001.
gnomAD v4.1: 3 of 1,607,412 alleles (0.00019%); highest among the groups gnomAD compares: Non-Finnish European, 0.00026%; no homozygotes.

Submissions (4):

Women's Health and Genetics/Laboratory Corporation of America, LabCorp
Classification: Uncertain significance. Last evaluated: 2025-06-24. Review status: criteria provided, single submitter. Criteria: LabCorp Variant Classification Summary - May 2015. Collection method: clinical testing. Allele origin: germline.
Comment: Variant summary: GHR c.504T>G (p.His168Gln) results in a non-conservative amino acid change located in the Fibronectin type-III domain profile (IPR003961) of the encoded protein sequence. Algorithms developed to predict the effect of missense changes on protein structure and function all suggest that this variant is likely to be disruptive. The variant allele was found at a frequency of 4e-06 in 250924 control chromosomes. c.504T>G has been reported in the literature in the compound heterozygous state in 2 siblings affected with Laron syndrome in which segregation was established (example: Fang_2007). These data indicate that the variant may be associated with disease. At least one publication reports experimental evidence demonstrating an impact on protein function. The variant was found to have normal growth hormone (GH) binding, but exhibited a moderate reduction in GH-induced STAT5b activation in vitro in response to physiological concentrations of GH, which was ameliorated at higher doses of GH and did not impair STAT5b-dependent gene expression. The authors suggest the variant may be associated with a defect in transducing GH-induced signal in response to physiological concentrations of GH in vivo. This proposed defect was also observed to a mild degree in primary dermal fibroblasts from an individual carrying the variant of interest in the compound heterozygous state (example: Fang_2007). The following publication has been ascertained in the context of this evaluation (PMID: 17405847). ClinVar contains an entry for this variant (Variation ID: 8663). Based on the evidence outlined above, the variant was classified as VUS-possibly pathogenic.

Labcorp Genetics (formerly Invitae), Labcorp
Classification: Likely pathogenic. Last evaluated: 2023-09-08. Review status: criteria provided, single submitter. Criteria: Invitae Variant Classification Sherloc (09022015). Collection method: clinical testing. Allele origin: germline.
Comment: This variant is present in population databases (rs121909373, gnomAD 0.002%). In summary, the currently available evidence indicates that the variant is pathogenic, but additional data are needed to prove that conclusively. Therefore, this variant has been classified as Likely Pathogenic. Experimental studies have shown that this missense change affects GHR function (PMID: 17405847). Advanced modeling of protein sequence and biophysical properties (such as structural, functional, and spatial information, amino acid conservation, physicochemical variation, residue mobility, and thermodynamic stability) performed at Invitae indicates that this missense variant is not expected to disrupt GHR protein function. ClinVar contains an entry for this variant (Variation ID: 8663). This variant is also known as p.His150Gln. This missense change has been observed in individual(s) with autosomal recessive Laron syndrome and/or Laron syndrome (PMID: 17405847). In at least one individual the data is consistent with being in trans (on the opposite chromosome) from a pathogenic variant. It has also been observed to segregate with disease in related individuals. This sequence change replaces histidine, which is basic and polar, with glutamine, which is neutral and polar, at codon 168 of the GHR protein (p.His168Gln).

GeneDx
Classification: Uncertain significance. Last evaluated: 2019-06-14. Review status: criteria provided, single submitter. Criteria: GeneDx Variant Classification Process June 2021. Collection method: clinical testing. Allele origin: germline. Affected: yes.
Comment: Published functional studies suggest a damaging effect on downstream signal transduction, but the mechanism remains unclear (Fang et al., 2007); In-silico analysis using splice predictors is inconclusive as to whether the variant alters gene splicing. In the absence of RNA/functional studies, the actual effect of this sequence change is unknown.; In silico analysis, which includes protein predictors and evolutionary conservation, supports that this variant does not alter protein structure/function; This variant is associated with the following publications: (PMID: 17405847)

OMIM
Classification: Pathogenic for LARON SYNDROME. Last evaluated: 2007-06-01. Review status: no assertion criteria provided. Collection method: literature only. Allele origin: germline. Not counted in ClinVar's aggregate classification.

Literature cited by the submitters: PubMed 17405847 (cited by 3 submitters).

NM_000163.5(GHR):c.504T>G (p.His168Gln)

Gene: GHR (growth hormone receptor; plus strand). Cytogenetic location: 5p12.
Variant type: single nucleotide variant.
Coding change: c.504T>G on transcript NM_000163.5 (MANE Select); coding-DNA position 504, T replaced by G.
Protein change: p.His168Gln; replaces histidine 168 with glutamine.
Molecular consequence: missense variant.
Genome position (GRCh38, 1-based): chr5:42,699,888, T>G. VCF-style: chr5-42699888-T-G. GRCh37 (hg19) VCF-style: chr5-42699990-T-G.
Other names: c.525T>G, p.His175Gln (NM_001242399.2); c.504T>G, p.His168Gln (NM_001242400.2, NM_001242401.4, NM_001242402.2 and 5 more transcripts); c.438T>G, p.His146Gln (NM_001242460.2); short protein forms H168Q, H146Q, H175Q.
Identifiers: ClinVar variation 8663 (VCV000008663.10), dbSNP rs121909373, ClinGen allele CA119819.